The following is an entry in ClinVar:

NM_001447.3(FAT2):c.7922G>T (p.Gly2641Val)

Genes: FAT2 (FAT atypical cadherin 2; minus strand), SLC36A1 (solute carrier family 36 member 1; plus strand). Cytogenetic location: 5q33.1.
Variant type: single nucleotide variant.
Coding change: c.7922G>T on transcript NM_001447.3 (MANE Select); coding-DNA position 7922, G replaced by T.
Protein change: p.Gly2641Val; replaces glycine 2641 with valine.
Molecular consequence: missense variant.
Genome position (GRCh38, 1-based): chr5:151,543,205, C>A on the plus strand (G>T on the coding strand, the complement: FAT2 is on the minus strand). VCF-style: chr5-151543205-C-A. GRCh37 (hg19) VCF-style: chr5-150922766-C-A.
Other names: short protein forms G2641V.
Identifiers: ClinVar variation 2988893 (VCV002988893.3), dbSNP rs988979241, ClinGen allele CA129955917.

ClinVar aggregate classification (germline): Uncertain significance (1 of 4 stars; one submission).

Allele frequency attached by ClinVar (database versions not stated): gnomAD 0.00001; TOPMed 0.00002.
gnomAD v4.1: 4 of 1,614,088 alleles (0.00025%); highest among the groups gnomAD compares: Admixed American, 0.0067%; no homozygotes.

Submission:

Labcorp Genetics (formerly Invitae), Labcorp
Classification: Uncertain significance. Last evaluated: 2022-12-22. Review status: criteria provided, single submitter. Criteria: Invitae Variant Classification Sherloc (09022015). Collection method: clinical testing. Allele origin: germline.
Comment: This variant has not been reported in the literature in individuals affected with FAT2-related conditions. In summary, the available evidence is currently insufficient to determine the role of this variant in disease. Therefore, it has been classified as a Variant of Uncertain Significance. Algorithms developed to predict the effect of missense changes on protein structure and function (SIFT, PolyPhen-2, Align-GVGD) all suggest that this variant is likely to be disruptive. This variant is present in population databases (no rsID available, gnomAD 0.009%). This sequence change replaces glycine, which is neutral and non-polar, with valine, which is neutral and non-polar, at codon 2641 of the FAT2 protein (p.Gly2641Val).